The following is an entry in ClinVar:

ClinVar aggregate classification (germline): Uncertain significance (1 of 4 stars; one submission).

Conditions:
Emery-Dreifuss muscular dystrophy 4, autosomal dominant (EDMD4). Also called: EMERY-DREIFUSS MUSCULAR DYSTROPHY 4 WITH VARIABLE FEATURES. Identifiers: Orphanet 261, MedGen C2751807, MONDO:0013071, OMIM 612998.
Autosomal recessive ataxia, Beauce type. Also called: SYNE1 Deficiency; Spinocerebellar ataxia, autosomal recessive 8; ATAXIA, RECESSIVE, OF BEAUCE; SYNE1-Related Autosomal Recessive Cerebellar Ataxia. Identifiers: Orphanet 88644, MedGen C1853116, MONDO:0012549, OMIM 610743.

Allele frequency attached by ClinVar (database versions not stated): TOPMed below 0.00001.

Submission:

Labcorp Genetics (formerly Invitae), Labcorp
Classification: Uncertain significance for Emery-Dreifuss muscular dystrophy 4, autosomal dominant; Autosomal recessive ataxia, Beauce type. Last evaluated: 2024-01-02. Review status: criteria provided, single submitter. Criteria: Invitae Variant Classification Sherloc (09022015). Collection method: clinical testing. Allele origin: germline.
Comment: This sequence change replaces isoleucine, which is neutral and non-polar, with valine, which is neutral and non-polar, at codon 773 of the SYNE1 protein (p.Ile773Val). This variant is not present in population databases (gnomAD no frequency). This variant has not been reported in the literature in individuals affected with SYNE1-related conditions. ClinVar contains an entry for this variant (Variation ID: 1937137). An algorithm developed to predict the effect of missense changes on protein structure and function (PolyPhen-2) suggests that this variant is likely to be tolerated. In summary, the available evidence is currently insufficient to determine the role of this variant in disease. Therefore, it has been classified as a Variant of Uncertain Significance.

NM_182961.4(SYNE1):c.2296A>G (p.Ile766Val)

Gene: SYNE1 (spectrin repeat containing nuclear envelope protein 1; minus strand). Cytogenetic location: 6q25.2.
Variant type: single nucleotide variant.
Coding change: c.2296A>G on transcript NM_182961.4 (MANE Select); coding-DNA position 2296, A replaced by G.
Protein change: p.Ile766Val; replaces isoleucine 766 with valine.
Molecular consequence: missense variant.
Genome position (GRCh38, 1-based): chr6:152,461,695, T>C on the plus strand (A>G on the coding strand, the complement: SYNE1 is on the minus strand). VCF-style: chr6-152461695-T-C. GRCh37 (hg19) VCF-style: chr6-152782830-T-C.
Other names: c.2317A>G, p.Ile773Val (NM_033071.5); short protein forms I766V, I773V.
Identifiers: ClinVar variation 1937137 (VCV001937137.5), dbSNP rs2098735083, ClinGen allele CA366121008.
Genomic context (GRCh38, chr6:152,461,695, plus strand): 5'-ACATTTCTTTTCCTTCTTCTTGGGGGCTTTCTTTGGTAATGAGGTGTGCTGTCTTTGTAA[T>C]TATCTTGTATTGGGCATCCATCACAGGCACCCTCTGCTCAATATCCTGCATGAATCATTG-3'
Protein context (NP_892006.3, residues 756-776): VPVMDAQYKI[Ile766Val]TKTAHLITKE